The following is an entry in ClinVar:

ClinVar aggregate classification (germline): Uncertain significance (1 of 4 stars; one submission).

Conditions:
Infantile-onset X-linked spinal muscular atrophy. Also called: ARTHROGRYPOSIS, X-LINKED, TYPE I; SPINAL MUSCULAR ATROPHY, X-LINKED LETHAL INFANTILE; AMC, DISTAL, X-LINKED; Spinal muscular atrophy, X-linked 2; Spinal Muscular Atrophy, X-Linked Infantile. Identifiers: Orphanet 1145, MedGen C1844934, MONDO:0010532, OMIM 301830.

Allele frequency attached by ClinVar (database versions not stated): gnomAD 0.00001; TOPMed 0.00002.

Submission:

Labcorp Genetics (formerly Invitae), Labcorp
Classification: Uncertain significance for Infantile-onset X-linked spinal muscular atrophy. Last evaluated: 2019-01-29. Review status: criteria provided, single submitter. Criteria: Invitae Variant Classification Sherloc (09022015). Collection method: clinical testing. Allele origin: germline.
Comment: In summary, the available evidence is currently insufficient to determine the role of this variant in disease. Therefore, it has been classified as a Variant of Uncertain Significance. Algorithms developed to predict the effect of missense changes on protein structure and function (SIFT, PolyPhen-2, Align-GVGD) all suggest that this variant is likely to be tolerated, but these predictions have not been confirmed by published functional studies and their clinical significance is uncertain. This variant has not been reported in the literature in individuals with UBA1-related conditions. This variant is not present in population databases (ExAC no frequency). This sequence change replaces valine with methionine at codon 33 of the UBA1 protein (p.Val33Met). The valine residue is weakly conserved and there is a small physicochemical difference between valine and methionine.

NM_003334.4(UBA1):c.97G>A (p.Val33Met)

Genes: UBA1 (ubiquitin like modifier activating enzyme 1; plus strand), LOC126863253 (CDK7 strongly-dependent group 2 enhancer GRCh37_chrX:47057593-47058792; plus strand). Cytogenetic location: Xp11.3.
Variant type: single nucleotide variant.
Coding change: c.97G>A on transcript NM_003334.4 (MANE Select); coding-DNA position 97, G replaced by A.
Protein change: p.Val33Met; replaces valine 33 with methionine.
Molecular consequence: missense variant.
Genome position (GRCh38, 1-based): chrX:47,198,899, G>A. VCF-style: chrX-47198899-G-A. GRCh37 (hg19) VCF-style: chrX-47058298-G-A.
Other names: c.97G>A, p.Val33Met (NM_153280.3); short protein forms V33M.
Identifiers: ClinVar variation 852376 (VCV000852376.10), dbSNP rs1449173671, ClinGen allele CA412786491.